The following is an entry in ClinVar:

ClinVar aggregate classification (germline): Uncertain significance. Review status: criteria provided, multiple submitters, no conflicts (2 of 4 stars). 4 submissions from 4 submitters: Uncertain significance (4). Last evaluated 2026-08-28.

Conditions:
Cardiovascular phenotype. Identifiers: MedGen CN230736.
X-linked myopathy with postural muscle atrophy. Also called: FHL1-Related Emery-Dreifuss Muscular Dystrophy, X-Linked. Identifiers: Orphanet 178461, MedGen C2678055, MONDO:0010401, OMIM 300696.

Allele frequency attached by ClinVar (database versions not stated): TOPMed 0.00001.
gnomAD v4.1: 1 of 1,206,751 alleles (0.000083%); no homozygotes.

Submissions (5):

Ambry Genetics
Classification: Uncertain significance for Cardiovascular phenotype. Last evaluated: 2026-08-28. Review status: criteria provided, single submitter. Criteria: Ambry Variant Classification Scheme 2023. Collection method: clinical testing. Allele origin: germline.
Comment: The p.G103V variant (also known as c.308G>T), located in coding exon 2 of the FHL1 gene, results from a G to T substitution at nucleotide position 308. The glycine at codon 103 is replaced by valine, an amino acid with dissimilar properties. This amino acid position is highly conserved in available vertebrate species. In addition, this alteration is predicted to be deleterious by in silico analysis. Based on the available evidence, the clinical significance of this variant remains unclear.

Labcorp Genetics (formerly Invitae), Labcorp
Classification: Uncertain significance for X-linked myopathy with postural muscle atrophy. Last evaluated: 2025-02-25. Review status: criteria provided, single submitter. Criteria: Invitae Variant Classification Sherloc (09022015). Collection method: clinical testing. Allele origin: germline.
Comment: This sequence change replaces glycine, which is neutral and non-polar, with valine, which is neutral and non-polar, at codon 103 of the FHL1 protein (p.Gly103Val). This variant is not present in population databases (gnomAD no frequency). This variant has not been reported in the literature in individuals affected with FHL1-related conditions. ClinVar contains an entry for this variant (Variation ID: 497860). An algorithm developed to predict the effect of missense changes on protein structure and function (PolyPhen-2) suggests that this variant is likely to be disruptive. Algorithms developed to predict the effect of sequence changes on RNA splicing suggest that this variant may create or strengthen a splice site. In summary, the available evidence is currently insufficient to determine the role of this variant in disease. Therefore, it has been classified as a Variant of Uncertain Significance.

GeneDx
Classification: Uncertain significance. Last evaluated: 2023-12-11. Review status: criteria provided, single submitter. Criteria: GeneDx Variant Classification Process June 2021. Collection method: clinical testing. Allele origin: germline. Affected: yes.
Comment: Not observed at significant frequency in large population cohorts (gnomAD); In silico analysis supports that this missense variant has a deleterious effect on protein structure/function; In silico analysis supports a deleterious effect on splicing; Has not been previously published as pathogenic or benign to our knowledge

Eurofins Ntd Llc (ga)
Classification: Uncertain significance. Last evaluated: 2016-10-12. Review status: criteria provided, single submitter. Criteria: EGL Classification Definitions 2015. Collection method: clinical testing. Allele origin: germline. Observed: 1 variant allele, 1 heterozygote.

Dr. Peter K. Rogan Lab, Western University
No classification provided (evidence only). Condition: Thyroid cancer, nonmedullary, 1. Review status: no classification provided. Collection method: in vitro. Allele origin: not applicable. Functional consequence: retained intron. Not counted in ClinVar's aggregate classification.

NM_001159699.2(FHL1):c.356G>T (p.Gly119Val)

Gene: FHL1 (four and a half LIM domains 1; plus strand). Cytogenetic location: Xq26.3.
Variant type: single nucleotide variant.
Coding change: c.356G>T on transcript NM_001159699.2 (MANE Select); coding-DNA position 356, G replaced by T.
Protein change: p.Gly119Val; replaces glycine 119 with valine.
Molecular consequence: missense variant. On other transcripts: non-coding transcript variant (1).
Genome position (GRCh38, 1-based): chrX:136,207,167, G>T. VCF-style: chrX-136207167-G-T. GRCh37 (hg19) VCF-style: chrX-135289326-G-T.
Other names: c.308G>T, p.Gly103Val (NM_001159700.2, NM_001159702.3, NM_001159703.2 and 9 more transcripts); c.395G>T, p.Gly132Val (NM_001159701.2); c.356G>T, p.Gly119Val (NM_001330659.2); c.308G>T (NM_001449.4); short protein forms G103V, G119V, G132V.
Identifiers: ClinVar variation 497860 (VCV000497860.16), dbSNP rs1556638919, ClinGen allele CA414608225.